The following is an entry in ClinVar:

ClinVar aggregate classification (germline): Pathogenic. Review status: criteria provided, multiple submitters, no conflicts (2 of 4 stars). 3 submissions from 3 submitters: Pathogenic (3). Last evaluated 2025-02-15.

Conditions:
PRPF31-related disorder. Also called: PRPF31-related condition.
Retinitis pigmentosa 11 (RP11). Identifiers: Orphanet 791, MedGen C1838601, MONDO:0010828, OMIM 600138.

Submissions (3):

Labcorp Genetics (formerly Invitae), Labcorp
Classification: Pathogenic. Last evaluated: 2025-02-15. Review status: criteria provided, single submitter. Criteria: Invitae Variant Classification Sherloc (09022015). Collection method: clinical testing. Allele origin: germline.
Comment: This sequence change creates a premature translational stop signal (p.Arg289Profs*30) in the PRPF31 gene. It is expected to result in an absent or disrupted protein product. Loss-of-function variants in PRPF31 are known to be pathogenic (PMID: 18317597, 23950152). This variant is not present in population databases (gnomAD no frequency). This premature translational stop signal has been observed in individuals with autosomal dominant retinitis pigmentosa (PMID: 24595387, 27596865). It has also been observed to segregate with disease in related individuals. ClinVar contains an entry for this variant (Variation ID: 1355432). For these reasons, this variant has been classified as Pathogenic.

3billion
Classification: Pathogenic for Retinitis pigmentosa 11. Last evaluated: 2023-07-14. Review status: criteria provided, single submitter. Criteria: ACMG Guidelines, 2015. Collection method: clinical testing. Allele origin: germline. Affected: yes.
Comment: The variant is not observed in the gnomAD v2.1.1 dataset. Predicted Consequence/Location: Frameshift: predicted to result in a loss or disruption of normal protein function through nonsense-mediated decay (NMD) or protein truncation. Multiple pathogenic variants are reported downstream of the variant. Functional studies provide moderate evidence of the variant having a damaging effect on the gene or gene product (PMID: 24595387). The variant has been reported to be associated with PRPF31 related disorder (ClinVar ID: VCV001355432 /PMID: 24595387). Therefore, this variant is classified as Pathogenic according to the recommendation of ACMG/AMP guideline.

Blueprint Genetics
Classification: Pathogenic for PRPF31-related disorders. Last evaluated: 2022-11-05. Review status: criteria provided, single submitter. Criteria: ACMG Guidelines, 2015. Collection method: clinical testing. Allele origin: germline. Affected: yes. Observed: 2 variant alleles.

Literature cited by the submitters: PubMed 18317597 (cited by Labcorp Genetics (formerly Invitae), Labcorp); PubMed 23950152 (cited by Labcorp Genetics (formerly Invitae), Labcorp); PubMed 24595387 (cited by Labcorp Genetics (formerly Invitae), Labcorp and 3billion); PubMed 27596865 (cited by Labcorp Genetics (formerly Invitae), Labcorp).

NM_015629.4(PRPF31):c.866_879del (p.Arg289fs)

Gene: PRPF31 (pre-mRNA processing factor 31; plus strand). Cytogenetic location: 19q13.42.
Variant type: Deletion.
Coding change: c.866_879del on transcript NM_015629.4 (MANE Select); coding-DNA positions 866 to 879, 14 bases deleted (GGAAAGCGGCCCGG).
Protein change: p.Arg289fs; shifts the reading frame from arginine 289.
Molecular consequence: frameshift variant.
Genome position (GRCh38, 1-based): chr19:54,126,538-54,126,551, GGAAAGCGGCCCGG deleted. VCF-style (leftmost placement, unchanged base first): chr19-54126537-CGGAAAGCGGCCCGG-C. GRCh37 (hg19) VCF-style: chr19-54629912-CGGAAAGCGGCCCGG-C.
Other names: short protein forms R289fs.
Identifiers: ClinVar variation 1355432 (VCV001355432.8), dbSNP rs2146436400, ClinGen allele CA2573156650.